The following is an entry in ClinVar:

ClinVar aggregate classification (germline): Uncertain significance (1 of 4 stars; one submission).

Conditions:
Arrhythmogenic right ventricular dysplasia 13. Also called: ARRHYTHMOGENIC RIGHT VENTRICULAR CARDIOMYOPATHY 13; Arrhythmogenic right ventricular dysplasia, familial, 13. Identifiers: MedGen C3810138, MONDO:0000908, OMIM 615616.

gnomAD v4.1: 6 of 1,613,694 alleles (0.00037%); highest among the groups gnomAD compares: Non-Finnish European, 0.00051%; no homozygotes.

Submission:

Labcorp Genetics (formerly Invitae), Labcorp
Classification: Uncertain significance for Arrhythmogenic right ventricular dysplasia 13. Last evaluated: 2023-10-20. Review status: criteria provided, single submitter. Criteria: Invitae Variant Classification Sherloc (09022015). Collection method: clinical testing. Allele origin: germline.
Comment: This sequence change replaces alanine, which is neutral and non-polar, with glutamic acid, which is acidic and polar, at codon 139 of the CTNNA3 protein (p.Ala139Glu). This variant is not present in population databases (gnomAD no frequency). This variant has not been reported in the literature in individuals affected with CTNNA3-related conditions. Advanced modeling of protein sequence and biophysical properties (such as structural, functional, and spatial information, amino acid conservation, physicochemical variation, residue mobility, and thermodynamic stability) performed at Invitae indicates that this missense variant is expected to disrupt CTNNA3 protein function. In summary, the available evidence is currently insufficient to determine the role of this variant in disease. Therefore, it has been classified as a Variant of Uncertain Significance.

NM_013266.4(CTNNA3):c.416C>A (p.Ala139Glu)

Gene: CTNNA3 (catenin alpha 3; minus strand). Cytogenetic location: 10q21.3.
Variant type: single nucleotide variant.
Coding change: c.416C>A on transcript NM_013266.4 (MANE Select); coding-DNA position 416, C replaced by A.
Protein change: p.Ala139Glu; replaces alanine 139 with glutamic acid.
Molecular consequence: missense variant.
Genome position (GRCh38, 1-based): chr10:67,539,546, G>T on the plus strand (C>A on the coding strand, the complement: CTNNA3 is on the minus strand). VCF-style: chr10-67539546-G-T. GRCh37 (hg19) VCF-style: chr10-69299304-G-T.
Other names: c.416C>A, p.Ala139Glu (NM_001127384.3); c.452C>A, p.Ala151Glu (NM_001291133.2); short protein forms A139E, A151E.
Identifiers: ClinVar variation 2728234 (VCV002728234.3), dbSNP rs528701683, ClinGen allele CA377097797.